The following is an entry in ClinVar:

ClinVar aggregate classification (germline): Likely benign. Review status: criteria provided, multiple submitters, no conflicts (2 of 4 stars). 2 submissions from 2 submitters: Likely benign (2). Last evaluated 2025-09-22.

Allele frequency attached by ClinVar (database versions not stated): TOPMed below 0.00001; gnomAD 0.00001; gnomAD exomes 0.00001 and 0.00002.
gnomAD v4.1: 30 of 1,598,248 alleles (0.0019%); highest among the groups gnomAD compares: Non-Finnish European, 0.0022%; no homozygotes.

Submissions (2):

Labcorp Genetics (formerly Invitae), Labcorp
Classification: Likely benign. Last evaluated: 2025-09-22. Review status: criteria provided, single submitter. Criteria: Invitae Variant Classification Sherloc (09022015). Collection method: clinical testing. Allele origin: germline.

GeneDx
Classification: Likely benign. Last evaluated: 2016-11-11. Review status: criteria provided, single submitter. Criteria: GeneDx Variant Classification (06012015). Collection method: clinical testing. Allele origin: germline. Affected: yes.
Comment: This variant is considered likely benign or benign based on one or more of the following criteria: it is a conservative change, it occurs at a poorly conserved position in the protein, it is predicted to be benign by multiple in silico algorithms, and/or has population frequency not consistent with disease.

NM_173630.4(RTTN):c.5647+10A>G

Gene: RTTN (rotatin; minus strand). Cytogenetic location: 18q22.2.
Variant type: single nucleotide variant.
Coding change: c.5647+10A>G on transcript NM_173630.4 (MANE Select); 10 bases into the intron after coding-DNA position 5647, A replaced by G.
Molecular consequence: intron variant.
Genome position (GRCh38, 1-based): chr18:70,030,866, T>C on the plus strand (A>G on the coding strand, the complement: RTTN is on the minus strand). VCF-style: chr18-70030866-T-C. GRCh37 (hg19) VCF-style: chr18-67698102-T-C.
Other names: c.2911+10A>G (NM_001318520.2).
Identifiers: ClinVar variation 390898 (VCV000390898.8), dbSNP rs1057523916, ClinGen allele CA16607959.